The following is an entry in ClinVar:

ClinVar aggregate classification (germline): Uncertain significance (1 of 4 stars; one submission).

Conditions:
Neurofibromatosis, type 2 (SWNV). Also called: BILATERAL ACOUSTIC NEUROFIBROMATOSIS; NF2-Related Schwannomatosis; SCHWANNOMATOSIS, VESTIBULAR. Identifiers: Orphanet 637, MedGen C0027832, MONDO:0007039, OMIM 101000. Disease mechanism: loss of function.

gnomAD v4.1: 1 of 1,613,816 alleles (0.000062%); no homozygotes.

Submission:

Labcorp Genetics (formerly Invitae), Labcorp
Classification: Uncertain significance for Neurofibromatosis, type 2. Last evaluated: 2022-04-17. Review status: criteria provided, single submitter. Criteria: Invitae Variant Classification Sherloc (09022015). Collection method: clinical testing. Allele origin: germline.
Comment: In summary, the available evidence is currently insufficient to determine the role of this variant in disease. Therefore, it has been classified as a Variant of Uncertain Significance. Variants that disrupt the consensus splice site are a relatively common cause of aberrant splicing (PMID: 17576681, 9536098). Algorithms developed to predict the effect of sequence changes on RNA splicing suggest that this variant is not likely to affect RNA splicing. ClinVar contains an entry for this variant (Variation ID: 1045620). This variant has not been reported in the literature in individuals affected with NF2-related conditions. This variant is not present in population databases (gnomAD no frequency). This sequence change falls in intron 15 of the NF2 gene. It does not directly change the encoded amino acid sequence of the NF2 protein. It affects a nucleotide within the consensus splice site.

Literature cited by the submitters: PubMed 17576681; PubMed 9536098.

NM_000268.4(NF2):c.1737+5C>T

Gene: NF2 (NF2, moesin-ezrin-radixin like (MERLIN) tumor suppressor; plus strand). Cytogenetic location: 22q12.2.
Variant type: single nucleotide variant.
Coding change: c.1737+5C>T on transcript NM_000268.4 (MANE Select); 5 bases into the intron after coding-DNA position 1737, C replaced by T.
Molecular consequence: intron variant.
Genome position (GRCh38, 1-based): chr22:29,681,606, C>T. VCF-style: chr22-29681606-C-T. GRCh37 (hg19) VCF-style: chr22-30077595-C-T.
Other names: c.1737+5C>T (NM_016418.5, NM_181832.3, NM_181825.3); c.448-13146C>T (NM_181833.3); c.1614+5C>T (NM_181829.3); c.1611+5C>T (NM_181828.3); c.1488+5C>T (NM_181830.3, NM_181831.3).
Identifiers: ClinVar variation 1045620 (VCV001045620.9), dbSNP rs1217457776, ClinGen allele CA639386596.
Genomic context (GRCh38, chr22:29,681,606, plus strand): 5'-TGCACAATGAGAACTCCGACAGGGGTGGCAGCAGCAAGCACAATACCATTAAAAAGGTAC[C>T]CAGGGTCTCTTTCTTGTATTTTGCTGATCAGGACCATCATTAATGAAATGTGCGGTTGGC-3'